The following is an entry in ClinVar:

ClinVar aggregate classification (germline): Uncertain significance. Review status: criteria provided, multiple submitters, no conflicts (2 of 4 stars). 4 submissions from 4 submitters: Uncertain significance (4). Last evaluated 2026-02-11.

Conditions:
Multiple myeloma (MM). Also called: Multiple myeloma, somatic; Plasma cell myeloma. Identifiers: Orphanet 29073, Orphanet 85443, MedGen C0026764, MeSH D009101, MONDO:0009693, OMIM 254500, HP:0006775.
DNA ligase IV deficiency. Identifiers: Orphanet 99812, MedGen C1847827, MONDO:0011686, OMIM 606593.

Allele frequency attached by ClinVar (database versions not stated): gnomAD 0.00006; TOPMed 0.00006; gnomAD exomes 0.00008 and 0.00012; ExAC 0.00010; ESP Exome Variant Server 0.00023.

Submissions (4):

Women's Health and Genetics/Laboratory Corporation of America, LabCorp
Classification: Uncertain significance. Last evaluated: 2026-02-11. Review status: criteria provided, single submitter. Criteria: LabCorp Variant Classification Summary - May 2015. Collection method: clinical testing. Allele origin: germline.
Comment: Variant summary: LIG4 c.1496T>C (p.Val499Ala) results in a non-conservative amino acid change in the encoded protein sequence. Algorithms developed to predict the effect of missense changes on protein structure and function are either unavailable or do not agree on the potential impact of this missense change. The variant allele was found at a frequency of 7.6e-05 in 251432 control chromosomes. This frequency is not significantly higher than estimated for disease-causing variants in LIG4, allowing no conclusion about variant significance. To our knowledge, no occurrence of c.1496T>C in individuals affected with LIG4-related conditions and no experimental evidence demonstrating its impact on protein function have been reported. ClinVar contains an entry for this variant (Variation ID: 640573). Based on the evidence outlined above, the variant was classified as uncertain significance.

Fulgent Genetics
Classification: Uncertain significance for Multiple myeloma; DNA ligase IV deficiency. Last evaluated: 2024-05-20. Review status: criteria provided, single submitter. Criteria: ACMG Guidelines, 2015. Collection method: clinical testing. Allele origin: germline.

Labcorp Genetics (formerly Invitae), Labcorp
Classification: Uncertain significance for DNA ligase IV deficiency. Last evaluated: 2022-11-03. Review status: criteria provided, single submitter. Criteria: Invitae Variant Classification Sherloc (09022015). Collection method: clinical testing. Allele origin: germline.
Comment: This sequence change replaces valine, which is neutral and non-polar, with alanine, which is neutral and non-polar, at codon 499 of the LIG4 protein (p.Val499Ala). This variant is present in population databases (rs201683262, gnomAD 0.01%). This variant has not been reported in the literature in individuals affected with LIG4-related conditions. ClinVar contains an entry for this variant (Variation ID: 640573). Algorithms developed to predict the effect of missense changes on protein structure and function (SIFT, PolyPhen-2, Align-GVGD) all suggest that this variant is likely to be tolerated. In summary, the available evidence is currently insufficient to determine the role of this variant in disease. Therefore, it has been classified as a Variant of Uncertain Significance.

Genetic Services Laboratory, University of Chicago
Classification: Uncertain significance. Last evaluated: 2020-10-01. Review status: criteria provided, single submitter. Criteria: ACMG Guidelines, 2015. Collection method: clinical testing. Allele origin: germline. Affected: no.
Comment: DNA sequence analysis of the LIG4 gene demonstrated a sequence change, c.1496T>C, in exon 2 that results in an amino acid change, p.Val499Ala. This sequence change does not appear to have been previously described in patients with LIG4-related disorders and has been described in the gnomAD database with a frequency of 0.013% in the European sub-population (dbSNP rs201683262). The p.Val499Ala change affects a highly conserved amino acid residue located in a domain of the LIG4 protein that is known to be functional. The p.Val499Ala substitution appears to be benign using several in-silico pathogenicity prediction tools (SIFT, PolyPhen2, Align GVGD, REVEL). Due to these contrasting evidences and the lack of functional studies, the clinical significance of the p.Val499Ala change remains unknown at this time.

NM_206937.2(LIG4):c.1496T>C (p.Val499Ala)

Gene: LIG4 (DNA ligase 4; minus strand). Cytogenetic location: 13q33.3.
Variant type: single nucleotide variant.
Coding change: c.1496T>C on transcript NM_206937.2 (MANE Select); coding-DNA position 1496, T replaced by C.
Protein change: p.Val499Ala; replaces valine 499 with alanine.
Molecular consequence: missense variant.
Genome position (GRCh38, 1-based): chr13:108,209,773, A>G on the plus strand (T>C on the coding strand, the complement: LIG4 is on the minus strand). VCF-style: chr13-108209773-A-G. GRCh37 (hg19) VCF-style: chr13-108862121-A-G.
Other names: c.1496T>C, p.Val499Ala (NM_001098268.2, NM_001352598.2, NM_001352599.2 and 6 more transcripts); c.1295T>C, p.Val432Ala (NM_001330595.2); c.1532T>C, p.Val511Ala (NM_001352604.2); short protein forms V432A, V499A, V511A.
Identifiers: ClinVar variation 640573 (VCV000640573.11), dbSNP rs201683262, ClinGen allele CA7043681.